The following is an entry in ClinVar:

NM_001288705.3(CSF1R):c.2246C>T (p.Pro749Leu)

Gene: CSF1R (colony stimulating factor 1 receptor; minus strand). Cytogenetic location: 5q32.
Variant type: single nucleotide variant.
Coding change: c.2246C>T on transcript NM_001288705.3 (MANE Select); coding-DNA position 2246, C replaced by T.
Protein change: p.Pro749Leu; replaces proline 749 with leucine.
Molecular consequence: missense variant. On other transcripts: non-coding transcript variant (2).
Genome position (GRCh38, 1-based): chr5:150,057,360, G>A on the plus strand (C>T on the coding strand, the complement: CSF1R is on the minus strand). VCF-style: chr5-150057360-G-A. GRCh37 (hg19) VCF-style: chr5-149436923-G-A.
Other names: c.2246C>T, p.Pro749Leu (NM_001349736.2, NM_001375320.1, NM_005211.4); c.1802C>T, p.Pro601Leu (NM_001375321.1); short protein forms P601L, P749L.
Identifiers: ClinVar variation 3373280 (VCV003373280.1).

ClinVar aggregate classification (germline): Uncertain significance (1 of 4 stars; one submission).

gnomAD v4.1: 1 of 1,614,072 alleles (0.000062%); highest among the groups gnomAD compares: South Asian, 0.0011%; no homozygotes.

Submission:

GeneDx
Classification: Uncertain significance. Last evaluated: 2024-02-27. Review status: criteria provided, single submitter. Criteria: GeneDx Variant Classification Process June 2021. Collection method: clinical testing. Allele origin: germline. Affected: yes.
Comment: Not observed at significant frequency in large population cohorts (gnomAD); In silico analysis supports that this missense variant has a deleterious effect on protein structure/function; Has not been previously published as pathogenic or benign to our knowledge